The following is an entry in ClinVar:

NM_001987.5(ETV6):c.1289G>A (p.Arg430Gln)

Gene: ETV6 (ETS variant transcription factor 6; plus strand). Cytogenetic location: 12p13.2.
Variant type: single nucleotide variant.
Coding change: c.1289G>A on transcript NM_001987.5 (MANE Select); coding-DNA position 1289, G replaced by A.
Protein change: p.Arg430Gln; replaces arginine 430 with glutamine.
Molecular consequence: missense variant.
Genome position (GRCh38, 1-based): chr12:11,890,976, G>A. VCF-style: chr12-11890976-G-A. GRCh37 (hg19) VCF-style: chr12-12043910-G-A.
Other names: c.1286G>A, p.Arg429Gln (NM_001413913.1); c.1262G>A, p.Arg421Gln (NM_001413914.1); c.1025G>A, p.Arg342Gln (NM_001413915.1); c.*28G>A (NM_001413917.1); short protein forms R342Q, R421Q, R429Q, R430Q.
Identifiers: ClinVar variation 1801133 (VCV001801133.5), dbSNP rs772935596, ClinGen allele CA232641560.

ClinVar aggregate classification (germline): Uncertain significance. Review status: criteria provided, multiple submitters, no conflicts (2 of 4 stars). 3 submissions from 3 submitters: Uncertain significance (3). Last evaluated 2025-08-08.

Conditions:
Inborn genetic diseases. Identifiers: MedGen C0950123, MeSH D030342.

Allele frequency attached by ClinVar (database versions not stated): gnomAD exomes below 0.00001.

Submissions (3):

Ambry Genetics
Classification: Uncertain significance for Inborn genetic diseases. Last evaluated: 2025-08-08. Review status: criteria provided, single submitter. Criteria: Ambry Variant Classification Scheme 2023. Collection method: clinical testing. Allele origin: germline.
Comment: The p.R430Q variant (also known as c.1289G>A), located in coding exon 8 of the ETV6 gene, results from a G to A substitution at nucleotide position 1289. The arginine at codon 430 is replaced by glutamine, an amino acid with highly similar properties. This amino acid position is well conserved in available vertebrate species. In addition, this alteration is predicted to be tolerated by in silico analysis. Based on the available evidence, the clinical significance of this variant remains unclear.

Labcorp Genetics (formerly Invitae), Labcorp
Classification: Uncertain significance. Last evaluated: 2024-01-29. Review status: criteria provided, single submitter. Criteria: Invitae Variant Classification Sherloc (09022015). Collection method: clinical testing. Allele origin: germline.
Comment: This sequence change replaces arginine, which is basic and polar, with glutamine, which is neutral and polar, at codon 430 of the ETV6 protein (p.Arg430Gln). This variant is not present in population databases (gnomAD no frequency). This variant has not been reported in the literature in individuals affected with ETV6-related conditions. ClinVar contains an entry for this variant (Variation ID: 1801133). Advanced modeling of protein sequence and biophysical properties (such as structural, functional, and spatial information, amino acid conservation, physicochemical variation, residue mobility, and thermodynamic stability) performed at Invitae indicates that this missense variant is not expected to disrupt ETV6 protein function with a negative predictive value of 80%. In summary, the available evidence is currently insufficient to determine the role of this variant in disease. Therefore, it has been classified as a Variant of Uncertain Significance.

GeneDx
Classification: Uncertain significance. Last evaluated: 2022-05-26. Review status: criteria provided, single submitter. Criteria: GeneDx Variant Classification Process June 2021. Collection method: clinical testing. Allele origin: germline. Affected: yes.
Comment: Not observed at significant frequency in large population cohorts (gnomAD); In silico analysis supports that this missense variant does not alter protein structure/function; Has not been previously published as pathogenic or benign to our knowledge